The following is an entry in ClinVar:

NM_001040716.2(PC):c.1804T>C (p.Phe602Leu)

Gene: PC (pyruvate carboxylase; minus strand). Cytogenetic location: 11q13.2.
Variant type: single nucleotide variant.
Coding change: c.1804T>C on transcript NM_001040716.2 (MANE Select); coding-DNA position 1804, T replaced by C.
Protein change: p.Phe602Leu; replaces phenylalanine 602 with leucine.
Molecular consequence: missense variant.
Genome position (GRCh38, 1-based): chr11:66,852,460, A>G on the plus strand (T>C on the coding strand, the complement: PC is on the minus strand). VCF-style: chr11-66852460-A-G. GRCh37 (hg19) VCF-style: chr11-66619931-A-G.
Other names: c.1804T>C, p.Phe602Leu (NM_000920.4, NM_022172.3); short protein forms F602L.
Identifiers: ClinVar variation 1491918 (VCV001491918.6), dbSNP rs2135813970, ClinGen allele CA381494888.

ClinVar aggregate classification (germline): Uncertain significance (1 of 4 stars; one submission).

Conditions:
Pyruvate carboxylase deficiency. Also called: ATAXIA WITH LACTIC ACIDOSIS II; Pyruvate Carboxylase Deficiency Disease; LEIGH NECROTIZING ENCEPHALOPATHY DUE TO PYRUVATE CARBOXYLASE DEFICIENCY; PC DEFICIENCY; LEIGH SYNDROME DUE TO PYRUVATE CARBOXYLASE DEFICIENCY. Identifiers: Orphanet 3008, MedGen C0034341, MONDO:0009949, OMIM 266150.

Submission:

Labcorp Genetics (formerly Invitae), Labcorp
Classification: Uncertain significance for Pyruvate carboxylase deficiency. Last evaluated: 2024-01-31. Review status: criteria provided, single submitter. Criteria: Invitae Variant Classification Sherloc (09022015). Collection method: clinical testing. Allele origin: germline.
Comment: This sequence change replaces phenylalanine, which is neutral and non-polar, with leucine, which is neutral and non-polar, at codon 602 of the PC protein (p.Phe602Leu). This variant is not present in population databases (gnomAD no frequency). This variant has not been reported in the literature in individuals affected with PC-related conditions. ClinVar contains an entry for this variant (Variation ID: 1491918). Advanced modeling of protein sequence and biophysical properties (such as structural, functional, and spatial information, amino acid conservation, physicochemical variation, residue mobility, and thermodynamic stability) has been performed at Invitae for this missense variant, however the output from this modeling did not meet the statistical confidence thresholds required to predict the impact of this variant on PC protein function. In summary, the available evidence is currently insufficient to determine the role of this variant in disease. Therefore, it has been classified as a Variant of Uncertain Significance.